The following is an entry in ClinVar:

ClinVar aggregate classification (germline): Uncertain significance. Review status: criteria provided, multiple submitters, no conflicts (2 of 4 stars). 2 submissions from 2 submitters: Uncertain significance (2). Last evaluated 2025-09-28.

Conditions:
Cardiovascular phenotype. Identifiers: MedGen CN230736.
Dilated cardiomyopathy 1DD (CMD1DD). Identifiers: Orphanet 154, MedGen C2750995, MONDO:0013168, OMIM 613172.

Allele frequency attached by ClinVar (database versions not stated): gnomAD exomes below 0.00001 and 0.00001.
gnomAD v4.1: 2 of 1,551,728 alleles (0.00013%); highest among the groups gnomAD compares: African/African-American, 0.0014%; no homozygotes.

Submissions (2):

Ambry Genetics
Classification: Uncertain significance for Cardiovascular phenotype. Last evaluated: 2025-09-28. Review status: criteria provided, single submitter. Criteria: Ambry Variant Classification Scheme 2023. Collection method: clinical testing. Allele origin: germline.

Labcorp Genetics (formerly Invitae), Labcorp
Classification: Uncertain significance for Dilated cardiomyopathy 1DD. Last evaluated: 2024-02-24. Review status: criteria provided, single submitter. Criteria: Invitae Variant Classification Sherloc (09022015). Collection method: clinical testing. Allele origin: germline.
Comment: This sequence change replaces proline, which is neutral and non-polar, with serine, which is neutral and polar, at codon 680 of the RBM20 protein (p.Pro680Ser). This variant is present in population databases (no rsID available, gnomAD 0.002%). This variant has not been reported in the literature in individuals affected with RBM20-related conditions. ClinVar contains an entry for this variant (Variation ID: 1474491). Advanced modeling of protein sequence and biophysical properties (such as structural, functional, and spatial information, amino acid conservation, physicochemical variation, residue mobility, and thermodynamic stability) performed at Invitae indicates that this missense variant is not expected to disrupt RBM20 protein function with a negative predictive value of 95%. In summary, the available evidence is currently insufficient to determine the role of this variant in disease. Therefore, it has been classified as a Variant of Uncertain Significance.

NM_001134363.3(RBM20):c.2038C>T (p.Pro680Ser)

Gene: RBM20 (RNA binding motif protein 20; plus strand). Cytogenetic location: 10q25.2.
Variant type: single nucleotide variant.
Coding change: c.2038C>T on transcript NM_001134363.3 (MANE Select); coding-DNA position 2038, C replaced by T.
Protein change: p.Pro680Ser; replaces proline 680 with serine.
Molecular consequence: missense variant.
Genome position (GRCh38, 1-based): chr10:110,812,435, C>T. VCF-style: chr10-110812435-C-T. GRCh37 (hg19) VCF-style: chr10-112572193-C-T.
Other names: c.2038C>T (NM_001134363.1); short protein forms P680S.
Identifiers: ClinVar variation 1474491 (VCV001474491.8), dbSNP rs1387833836, ClinGen allele CA378371071.